The following is an entry in ClinVar:

NM_031885.5(BBS2):c.795C>T (p.Ser265=)

Gene: BBS2 (Bardet-Biedl syndrome 2; minus strand). Cytogenetic location: 16q13.
Variant type: single nucleotide variant.
Coding change: c.795C>T on transcript NM_031885.5 (MANE Select); coding-DNA position 795, C replaced by T.
Protein change: p.Ser265=; no amino-acid change (serine 265 retained).
Molecular consequence: synonymous variant. On other transcripts: non-coding transcript variant (5).
Genome position (GRCh38, 1-based): chr16:56,505,959, G>A on the plus strand (C>T on the coding strand, the complement: BBS2 is on the minus strand). VCF-style: chr16-56505959-G-A. GRCh37 (hg19) VCF-style: chr16-56539871-G-A.
Other names: c.795C>T, p.Ser265= (NM_001377456.1).
Identifiers: ClinVar variation 1646632 (VCV001646632.10), dbSNP rs1172637602, ClinGen allele CA495587754.

ClinVar aggregate classification (germline): Likely benign. Review status: criteria provided, multiple submitters, no conflicts (2 of 4 stars). 2 submissions from 2 submitters: Likely benign (2). Last evaluated 2026-04-01.

Conditions:
Bardet-Biedl syndrome (BBS). Identifiers: Orphanet 110, MedGen C0752166, MONDO:0015229.

Allele frequency attached by ClinVar (database versions not stated): gnomAD exomes below 0.00001.
gnomAD v4.1: 2 of 1,613,204 alleles (0.00012%); highest among the groups gnomAD compares: Middle Eastern, 0.017%; no homozygotes.

Submissions (2):

CeGaT Center for Human Genetics Tuebingen
Classification: Likely benign. Last evaluated: 2026-04-01. Review status: criteria provided, single submitter. Criteria: CeGaT Center For Human Genetics Tuebingen Variant Classification Criteria Version 2. Collection method: clinical testing. Allele origin: germline. Affected: yes. Observed: 1 variant allele.
Comment: BBS2: BP4, BP7

Labcorp Genetics (formerly Invitae), Labcorp
Classification: Likely benign for Bardet-Biedl syndrome. Last evaluated: 2022-10-07. Review status: criteria provided, single submitter. Criteria: Invitae Variant Classification Sherloc (09022015). Collection method: clinical testing. Allele origin: germline.